The following is an entry in ClinVar:

ClinVar aggregate classification (germline): Uncertain significance. Review status: criteria provided, multiple submitters, no conflicts (2 of 4 stars). 2 submissions from 2 submitters: Uncertain significance (2). Last evaluated 2024-08-05.

Conditions:
Inborn genetic diseases. Identifiers: MedGen C0950123, MeSH D030342.

Allele frequency attached by ClinVar (database versions not stated): ExAC 0.00002; gnomAD exomes 0.00002 and 0.00004; gnomAD 0.00003; TOPMed 0.00003.
gnomAD v4.1: 63 of 1,613,876 alleles (0.0039%); highest among the groups gnomAD compares: Non-Finnish European, 0.0052%; no homozygotes.

Submissions (2):

Ambry Genetics
Classification: Uncertain significance for Inborn genetic diseases. Last evaluated: 2024-08-05. Review status: criteria provided, single submitter. Criteria: Ambry Variant Classification Scheme 2023. Collection method: clinical testing. Allele origin: germline.

Labcorp Genetics (formerly Invitae), Labcorp
Classification: Uncertain significance. Last evaluated: 2023-10-13. Review status: criteria provided, single submitter. Criteria: Invitae Variant Classification Sherloc (09022015). Collection method: clinical testing. Allele origin: germline.
Comment: This sequence change replaces glutamine, which is neutral and polar, with arginine, which is basic and polar, at codon 1058 of the AP3B2 protein (p.Gln1058Arg). This variant is present in population databases (rs762681289, gnomAD 0.006%). This variant has not been reported in the literature in individuals affected with AP3B2-related conditions. ClinVar contains an entry for this variant (Variation ID: 1429200). An algorithm developed to predict the effect of missense changes on protein structure and function (PolyPhen-2) suggests that this variant is likely to be tolerated. In summary, the available evidence is currently insufficient to determine the role of this variant in disease. Therefore, it has been classified as a Variant of Uncertain Significance.

NM_001278512.2(AP3B2):c.3230A>G (p.Gln1077Arg)

Genes: AP3B2 (adaptor related protein complex 3 subunit beta 2; minus strand), CPEB1-AS1 (CPEB1 antisense RNA 1; plus strand). Cytogenetic location: 15q25.2.
Variant type: single nucleotide variant.
Coding change: c.3230A>G on transcript NM_001278512.2 (MANE Select); coding-DNA position 3230, A replaced by G.
Protein change: p.Gln1077Arg; replaces glutamine 1077 with arginine.
Molecular consequence: missense variant.
Genome position (GRCh38, 1-based): chr15:82,659,636, T>C on the plus strand (A>G on the coding strand, the complement: AP3B2 is on the minus strand). VCF-style: chr15-82659636-T-C. GRCh37 (hg19) VCF-style: chr15-83328388-T-C.
Other names: c.3173A>G (NM_004644.3); c.3077A>G, p.Gln1026Arg (NM_001278511.2); c.362A>G, p.Gln121Arg (NM_001348441.2); c.3173A>G, p.Gln1058Arg (NM_004644.5); short protein forms Q1058R, Q121R, Q1026R, Q1077R.
Identifiers: ClinVar variation 1429200 (VCV001429200.7), dbSNP rs762681289, ClinGen allele CA7699659.
Genomic context (GRCh38, chr15:82,659,636, plus strand): 5'-TGTATCACATCCTTTACCAGCATGGTGCCAATCACCATTTTCTCGCTGTTGACAGTCAGC[T>C]GGGCAGCTCCAGCTGGCCGGGCATCCAGGGTCAGCAGAACGAGGCTTCCACCAGTCAGTG-3'
Protein context (NP_001265441.1, residues 1067-1087): TLDARPAGAA[Gln1077Arg]LTVNSEKMVI